The following is an entry in ClinVar:

ClinVar aggregate classification (germline): Uncertain significance. Review status: criteria provided, multiple submitters, no conflicts (2 of 4 stars). 2 submissions from 2 submitters: Uncertain significance (2). Last evaluated 2023-11-20.

Conditions:
Hypercholesterolemia, autosomal dominant, 3 (FHCL3). Also called: Familial Hypercholesterolemia, Autosomal Dominant, 3; PCSK9-Related Familial Hypercholesterolemia, Autosomal Dominant; Familial hypercholesterolemia 3. Identifiers: MedGen C1863551, MONDO:0011369, OMIM 603776.
Cardiovascular phenotype. Identifiers: MedGen CN230736.

Allele frequency attached by ClinVar (database versions not stated): gnomAD 0.00001; TOPMed 0.00001.
gnomAD v4.1: 3 of 1,613,042 alleles (0.00019%); highest among the groups gnomAD compares: East Asian, 0.0067%; no homozygotes.

Submissions (2):

All of Us Research Program, National Institutes of Health
Classification: Uncertain significance for Hypercholesterolemia, autosomal dominant, 3. Last evaluated: 2023-11-20. Review status: criteria provided, single submitter. Criteria: ACMG Guidelines, 2015. Collection method: clinical testing. Allele origin: germline. Inheritance: Autosomal dominant inheritance. Observed: 1 variant allele, 1 heterozygote.
Comment: This missense variant replaces threonine with serine at codon 228 of the PCSK9 protein. Computational prediction suggests that this variant may have deleterious impact on protein structure and function (internally defined REVEL score threshold >= 0.7, PMID: 27666373). To our knowledge, functional studies have not been reported for this variant. This variant has not been reported in individuals affected with PCSK9-related disorders in the literature. This variant has been identified in 4/280836 chromosomes in the general population by the Genome Aggregation Database (gnomAD). The available evidence is insufficient to determine the role of this variant in disease conclusively. Therefore, this variant is classified as a Variant of Uncertain Significance.

This study involves interpretation of variants in research participants for the purpose of population health screening. Participant phenotype was not available at the time of variant classification. Additional details can be found in publication PMID: 35346344, PMCID: PMC8962531

Ambry Genetics
Classification: Uncertain significance for Cardiovascular phenotype. Last evaluated: 2023-10-10. Review status: criteria provided, single submitter. Criteria: Ambry Variant Classification Scheme 2023. Collection method: clinical testing. Allele origin: germline.

NM_174936.4(PCSK9):c.683C>G (p.Thr228Ser)

Gene: PCSK9 (proprotein convertase subtilisin/kexin type 9; plus strand). Cytogenetic location: 1p32.3.
Variant type: single nucleotide variant.
Coding change: c.683C>G on transcript NM_174936.4 (MANE Select); coding-DNA position 683, C replaced by G.
Protein change: p.Thr228Ser; replaces threonine 228 with serine.
Molecular consequence: missense variant. On other transcripts: non-coding transcript variant (8).
Genome position (GRCh38, 1-based): chr1:55,052,675, C>G. VCF-style: chr1-55052675-C-G. GRCh37 (hg19) VCF-style: chr1-55518348-C-G.
Other names: c.806C>G, p.Thr269Ser (NM_001407240.1); c.683C>G, p.Thr228Ser (NM_001407241.1, NM_001407244.1, NM_001407247.1); c.686C>G, p.Thr229Ser (NM_001407242.1); c.626C>G, p.Thr209Ser (NM_001407243.1); c.491C>G, p.Thr164Ser (NM_001407245.1); c.308C>G, p.Thr103Ser (NM_001407246.1); short protein forms T228S, T103S, T209S, T269S, T164S, T229S.
Identifiers: ClinVar variation 2454169 (VCV002454169.3), dbSNP rs1254181849, ClinGen allele CA340473843.